The following is an entry in ClinVar:

ClinVar aggregate classification (germline): Uncertain significance (1 of 4 stars; one submission).

Conditions:
Hypercholesterolemia, autosomal dominant, type B (FHCL2). Also called: APOB-Related Familial Hypercholesterolemia, Autosomal Dominant; Familial Hypercholesterolemia Type B; APOLIPOPROTEIN B-100, FAMILIAL DEFECTIVE; APOLIPOPROTEIN B-100, FAMILIAL LIGAND-DEFECTIVE; HYPERCHOLESTEROLEMIA, FAMILIAL, DUE TO LIGAND-DEFECTIVE APOLIPOPROTEIN B; Hyperlipoproteinemia Type IIb. Identifiers: MedGen C1704417, MONDO:0007751, OMIM 144010.
Familial hypobetalipoproteinemia 1. Also called: Hypobetalipoproteinemia, normotriglyceridemic; Acanthocytosis with hypobetalipoproteinemia; APOB-Related Familial Hypobetalipoproteinemia. Identifiers: MedGen C4551990, MONDO:0014252, OMIM 615558.

Allele frequency attached by ClinVar (database versions not stated): TOPMed below 0.00001.
gnomAD v4.1: 1 of 1,614,022 alleles (0.000062%); no homozygotes.

Submission:

Labcorp Genetics (formerly Invitae), Labcorp
Classification: Uncertain significance for Familial hypobetalipoproteinemia 1; Hypercholesterolemia, autosomal dominant, type B. Last evaluated: 2023-01-03. Review status: criteria provided, single submitter. Criteria: Invitae Variant Classification Sherloc (09022015). Collection method: clinical testing. Allele origin: germline.
Comment: In summary, the available evidence is currently insufficient to determine the role of this variant in disease. Therefore, it has been classified as a Variant of Uncertain Significance. Algorithms developed to predict the effect of sequence changes on RNA splicing suggest that this variant may create or strengthen a splice site. Algorithms developed to predict the effect of missense changes on protein structure and function are either unavailable or do not agree on the potential impact of this missense change (SIFT: "Deleterious"; PolyPhen-2: "Benign"; Align-GVGD: "Class C0"). This variant has not been reported in the literature in individuals affected with APOB-related conditions. This variant is not present in population databases (gnomAD no frequency). This sequence change replaces leucine, which is neutral and non-polar, with valine, which is neutral and non-polar, at codon 1001 of the APOB protein (p.Leu1001Val).

NM_000384.3(APOB):c.3001T>G (p.Leu1001Val)

Gene: APOB (apolipoprotein B; minus strand). Cytogenetic location: 2p24.1.
Variant type: single nucleotide variant.
Coding change: c.3001T>G on transcript NM_000384.3 (MANE Select); coding-DNA position 3001, T replaced by G.
Protein change: p.Leu1001Val; replaces leucine 1001 with valine.
Molecular consequence: missense variant.
Genome position (GRCh38, 1-based): chr2:21,019,112, A>C on the plus strand (T>G on the coding strand, the complement: APOB is on the minus strand). VCF-style: chr2-21019112-A-C. GRCh37 (hg19) VCF-style: chr2-21241984-A-C.
Other names: short protein forms L1001V.
Identifiers: ClinVar variation 2928171 (VCV002928171.3), dbSNP rs1663540113, ClinGen allele CA346010056.
Genomic context (GRCh38, chr2:21,019,112, plus strand): 5'-CATAGGTTGCGCTGACAGAATACTGCTCAATCTCTCCTGTAGGCCTCAGTTCCAGCTCTA[A>C]TCTAAAGACATTACAATGAAGACAGTGCATAATGTTAGAGCTTTCAAGGATGGTGATTAT-3'
Protein context (NP_000375.3, residues 991-1011): SYYPLTGDTR[Leu1001Val]ELELRPTGEI